The following is an entry in ClinVar:

ClinVar aggregate classification (germline): Uncertain significance. Review status: criteria provided, multiple submitters, no conflicts (2 of 4 stars). 2 submissions from 2 submitters: Uncertain significance (2). Last evaluated 2023-08-11.

Conditions:
Epilepsy, X-linked 1, with variable learning disabilities and behavior disorders. Also called: X-linked epilepsy-learning disabilities-behavior disorders syndrome. Identifiers: Orphanet 85294, MedGen C5774177, MONDO:0010339, OMIM 300491.

Allele frequency attached by ClinVar (database versions not stated): gnomAD exomes below 0.00001; gnomAD 0.00001; TOPMed 0.00001.
gnomAD v4.1: 2 of 1,209,457 alleles (0.00017%); highest among the groups gnomAD compares: Admixed American, 0.0022%; no homozygotes.

Submissions (2):

Labcorp Genetics (formerly Invitae), Labcorp
Classification: Uncertain significance for Epilepsy, X-linked 1, with variable learning disabilities and behavior disorders. Last evaluated: 2023-08-11. Review status: criteria provided, single submitter. Criteria: Invitae Variant Classification Sherloc (09022015). Collection method: clinical testing. Allele origin: germline.
Comment: In summary, the available evidence is currently insufficient to determine the role of this variant in disease. Therefore, it has been classified as a Variant of Uncertain Significance. Algorithms developed to predict the effect of sequence changes on RNA splicing suggest that this variant may create or strengthen a splice site. An algorithm developed to predict the effect of missense changes on protein structure and function (PolyPhen-2) suggests that this variant is likely to be disruptive. ClinVar contains an entry for this variant (Variation ID: 1482446). This variant has not been reported in the literature in individuals affected with SYN1-related conditions. This variant is present in population databases (no rsID available, gnomAD 0.004%). This sequence change replaces arginine, which is basic and polar, with histidine, which is basic and polar, at codon 186 of the SYN1 protein (p.Arg186His).

Blueprint Genetics
Classification: Uncertain significance. Last evaluated: 2023-07-24. Review status: criteria provided, single submitter. Criteria: ACMG Guidelines, 2015. Collection method: clinical testing. Allele origin: germline.

NM_006950.3(SYN1):c.557G>A (p.Arg186His)

Gene: SYN1 (synapsin I; minus strand). Cytogenetic location: Xp11.23.
Variant type: single nucleotide variant.
Coding change: c.557G>A on transcript NM_006950.3 (MANE Select); coding-DNA position 557, G replaced by A.
Protein change: p.Arg186His; replaces arginine 186 with histidine.
Molecular consequence: missense variant.
Genome position (GRCh38, 1-based): chrX:47,605,350, C>T on the plus strand (G>A on the coding strand, the complement: SYN1 is on the minus strand). VCF-style: chrX-47605350-C-T. GRCh37 (hg19) VCF-style: chrX-47464749-C-T.
Other names: c.557G>A, p.Arg186His (NM_133499.2); short protein forms R186H.
Identifiers: ClinVar variation 1482446 (VCV001482446.7), dbSNP rs1171134481, ClinGen allele CA412825189.
Genomic context (GRCh38, chrX:47,605,350, plus strand): 5'-TGCAGCCCAATGACCAAACTGCGGTAGTCTCCGTTGCGTGCCATGCTGAAGGCGTGCTGG[C>T]GGATCAGCACAAAATCCGGCTTCAGAGACCTAGTGTGGCAGGGGTAGGAGTGTTGAGAGT-3'
Protein context (NP_008881.2, residues 176-196): RSLKPDFVLI[Arg186His]QHAFSMARNG